The following is an entry in ClinVar:

NM_005188.4(CBL):c.2097G>C (p.Glu699Asp)

Gene: CBL (Cbl proto-oncogene; plus strand). Cytogenetic location: 11q23.3.
Variant type: single nucleotide variant.
Coding change: c.2097G>C on transcript NM_005188.4 (MANE Select); coding-DNA position 2097, G replaced by C.
Protein change: p.Glu699Asp; replaces glutamic acid 699 with aspartic acid.
Molecular consequence: missense variant.
Genome position (GRCh38, 1-based): chr11:119,296,978, G>C. VCF-style: chr11-119296978-G-C. GRCh37 (hg19) VCF-style: chr11-119167688-G-C.
Other names: short protein forms E699D.
Identifiers: ClinVar variation 1311748 (VCV001311748.6), dbSNP rs1057519031, ClinGen allele CA382926958.

ClinVar aggregate classification (germline): Uncertain significance. Review status: criteria provided, multiple submitters, no conflicts (2 of 4 stars). 3 submissions from 3 submitters: Uncertain significance (3). Last evaluated 2025-05-11.

Conditions:
RASopathy. Also called: rasopathies; Noonan spectrum disorder. Identifiers: Orphanet 536391, MedGen C5555857, MONDO:0021060.
Cardiovascular phenotype. Identifiers: MedGen CN230736.

Submissions (3):

Ambry Genetics
Classification: Uncertain significance for Cardiovascular phenotype. Last evaluated: 2025-05-11. Review status: criteria provided, single submitter. Criteria: Ambry Variant Classification Scheme 2023. Collection method: clinical testing. Allele origin: germline.
Comment: The p.E699D variant (also known as c.2097G>C), located in coding exon 13 of the CBL gene, results from a G to C substitution at nucleotide position 2097. The glutamic acid at codon 699 is replaced by aspartic acid, an amino acid with highly similar properties. This amino acid position is conserved. In addition, the in silico prediction for this alteration is inconclusive. Based on the available evidence, the clinical significance of this variant remains unclear.

Labcorp Genetics (formerly Invitae), Labcorp
Classification: Uncertain significance for RASopathy. Last evaluated: 2023-03-14. Review status: criteria provided, single submitter. Criteria: Invitae Variant Classification Sherloc (09022015). Collection method: clinical testing. Allele origin: germline.
Comment: This sequence change replaces glutamic acid, which is acidic and polar, with aspartic acid, which is acidic and polar, at codon 699 of the CBL protein (p.Glu699Asp). In summary, the available evidence is currently insufficient to determine the role of this variant in disease. Therefore, it has been classified as a Variant of Uncertain Significance. Advanced modeling of protein sequence and biophysical properties (such as structural, functional, and spatial information, amino acid conservation, physicochemical variation, residue mobility, and thermodynamic stability) performed at Invitae indicates that this missense variant is not expected to disrupt CBL protein function. ClinVar contains an entry for this variant (Variation ID: 1311748). This variant has not been reported in the literature in individuals affected with CBL-related conditions. This variant is not present in population databases (gnomAD no frequency).

GeneDx
Classification: Uncertain significance. Last evaluated: 2019-09-05. Review status: criteria provided, single submitter. Criteria: GeneDx Variant Classification Process June 2021. Collection method: clinical testing. Allele origin: germline. Affected: yes.
Comment: Not observed in large population cohorts (Lek et al., 2016); In silico analysis, which includes protein predictors and evolutionary conservation, supports that this variant does not alter protein structure/function; Has not been previously published as pathogenic or benign to our knowledge